The following is an entry in ClinVar:

NM_006790.3(MYOT):c.134G>A (p.Arg45His)

Genes: PKD2L2-DT (PKD2L2 divergent transcript; minus strand), MYOT (myotilin; plus strand). Cytogenetic location: 5q31.2.
Variant type: single nucleotide variant.
Coding change: c.134G>A on transcript NM_006790.3 (MANE Select); coding-DNA position 134, G replaced by A.
Protein change: p.Arg45His; replaces arginine 45 with histidine.
Molecular consequence: missense variant. On other transcripts: intron variant (2).
Genome position (GRCh38, 1-based): chr5:137,870,785, G>A. VCF-style: chr5-137870785-G-A. GRCh37 (hg19) VCF-style: chr5-137206474-G-A.
Other names: c.-120-92G>A (NM_001300911.2); c.-197+260G>A (NM_001135940.2); short protein forms R45H.
Identifiers: ClinVar variation 1988956 (VCV001988956.4), dbSNP rs1358850010, ClinGen allele CA361052660.

ClinVar aggregate classification (germline): Uncertain significance (1 of 4 stars; one submission).

Conditions:
Myofibrillar myopathy 3 (MFM3). Also called: Autosomal dominant spheroid body myopathy; Muscular dystrophy, proximal, type 1A. Identifiers: Orphanet 266, Orphanet 268129, MedGen C3714934, MONDO:0012215, OMIM 609200.

Allele frequency attached by ClinVar (database versions not stated): gnomAD 0.00001; TOPMed 0.00001; gnomAD exomes 0.00004.
gnomAD v4.1: 60 of 1,613,952 alleles (0.0037%); highest among the groups gnomAD compares: South Asian, 0.0077%; no homozygotes.

Submission:

Labcorp Genetics (formerly Invitae), Labcorp
Classification: Uncertain significance for Myofibrillar myopathy 3. Last evaluated: 2022-05-09. Review status: criteria provided, single submitter. Criteria: Invitae Variant Classification Sherloc (09022015). Collection method: clinical testing. Allele origin: germline.
Comment: In summary, the available evidence is currently insufficient to determine the role of this variant in disease. Therefore, it has been classified as a Variant of Uncertain Significance. Algorithms developed to predict the effect of missense changes on protein structure and function are either unavailable or do not agree on the potential impact of this missense change (SIFT: "Deleterious"; PolyPhen-2: "Benign"; Align-GVGD: "Class C0"). This variant has not been reported in the literature in individuals affected with MYOT-related conditions. This variant is present in population databases (no rsID available, gnomAD 0.008%). This sequence change replaces arginine, which is basic and polar, with histidine, which is basic and polar, at codon 45 of the MYOT protein (p.Arg45His).